The following is an entry in ClinVar:

ClinVar aggregate classification (germline): Benign (1 of 4 stars; one submission).

Conditions:
Pheochromocytoma/paraganglioma syndrome 1. Also called: PARAGANGLIOMAS, FAMILIAL NONCHROMAFFIN, 1; PGL 1; Paragangliomas familial 1; PARAGANGLIOMATA; Paragangliomas 1; Glomus tumors familial 1. Identifiers: Orphanet 29072, MedGen C3494181, MONDO:0008192, OMIM 168000.

Submission:

Myriad Genetics, Inc.
Classification: Benign for Pheochromocytoma/paraganglioma syndrome 1. Last evaluated: 2025-03-18. Review status: criteria provided, single submitter. Criteria: Myriad Autosomal Dominant, Autosomal Recessive and X-Linked Classification Criteria (2023). Collection method: clinical testing. Allele origin: unknown.
Comment: This variant is considered benign. This variant occurs in the non-coding 3' untranslated region of the gene and is not expected to impact protein function.

NM_003002.4(SDHD):c.*6T>C

Gene: SDHD (succinate dehydrogenase complex subunit D; plus strand). Cytogenetic location: 11q23.1.
Variant type: single nucleotide variant.
Coding change: c.*6T>C on transcript NM_003002.4 (MANE Select); 6 bases downstream of the stop codon, T replaced by C.
Molecular consequence: 3 prime UTR variant. On other transcripts: non-coding transcript variant (1).
Genome position (GRCh38, 1-based): chr11:112,094,976, T>C. VCF-style: chr11-112094976-T-C. GRCh37 (hg19) VCF-style: chr11-111965700-T-C.
Other names: c.*83T>C (NM_001276503.2); c.*6T>C (NM_001276504.2); c.*184T>C (NM_001276506.2).
Identifiers: ClinVar variation 3904582 (VCV003904582.1).